The following is an entry in ClinVar:

NM_021625.5(TRPV4):c.1909A>T (p.Asn637Tyr)

Gene: TRPV4 (transient receptor potential cation channel subfamily V member 4; minus strand). Cytogenetic location: 12q24.11.
Variant type: single nucleotide variant.
Coding change: c.1909A>T on transcript NM_021625.5 (MANE Select); coding-DNA position 1909, A replaced by T.
Protein change: p.Asn637Tyr; replaces asparagine 637 with tyrosine.
Molecular consequence: missense variant.
Genome position (GRCh38, 1-based): chr12:109,788,699, T>A on the plus strand (A>T on the coding strand, the complement: TRPV4 is on the minus strand). VCF-style: chr12-109788699-T-A. GRCh37 (hg19) VCF-style: chr12-110226504-T-A.
Other names: c.1807A>T, p.Asn603Tyr (NM_001177431.2); c.1588A>T, p.Asn530Tyr (NM_001177433.2); c.1729A>T, p.Asn577Tyr (NM_147204.3); c.1768A>T, p.Asn590Tyr (NM_001177428.2); short protein forms N637Y, N530Y, N577Y, N603Y, N590Y.
Identifiers: ClinVar variation 1435546 (VCV001435546.8), dbSNP rs1417825919, ClinGen allele CA386651171.
Genomic context (GRCh38, chr12:109,788,699, plus strand): 5'-AAGTGGGCACTGTGCAGTTGGTCTGGTCCTCATTGCACACCTTCATGTTGGCACACGGGT[T>A]CAGGAGGGAGACCAGGGCTGTGGGAGGATAGGGGTGGCACTCACTGAGTGTGAGCACACC-3'
Protein context (NP_067638.3, residues 627-647): GYASALVSLL[Asn637Tyr]PCANMKVCNE

ClinVar aggregate classification (germline): Uncertain significance (1 of 4 stars; one submission).

Conditions:
Charcot-Marie-Tooth disease axonal type 2C (HMSN2C). Also called: Charcot-Marie-Tooth Disease Type 2, TRPV4-Related (CMT2C); CHARCOT-MARIE-TOOTH DISEASE, AXONAL, AUTOSOMAL DOMINANT, TYPE 2C; Charcot-Marie-Tooth Neuropathy Type 2C. Identifiers: Orphanet 99937, MedGen C1853710, MONDO:0011633, OMIM 606071.

Allele frequency attached by ClinVar (database versions not stated): gnomAD exomes below 0.00001; TOPMed below 0.00001; gnomAD 0.00001.
gnomAD v4.1: 3 of 1,613,988 alleles (0.00019%); highest among the groups gnomAD compares: Non-Finnish European, 0.00025%; no homozygotes.

Submission:

Labcorp Genetics (formerly Invitae), Labcorp
Classification: Uncertain significance for Charcot-Marie-Tooth disease axonal type 2C. Last evaluated: 2022-11-28. Review status: criteria provided, single submitter. Criteria: Invitae Variant Classification Sherloc (09022015). Collection method: clinical testing. Allele origin: germline.
Comment: This variant is present in population databases (no rsID available, gnomAD 0.007%). This sequence change replaces asparagine, which is neutral and polar, with tyrosine, which is neutral and polar, at codon 637 of the TRPV4 protein (p.Asn637Tyr). This variant has not been reported in the literature in individuals affected with TRPV4-related conditions. ClinVar contains an entry for this variant (Variation ID: 1435546). Advanced modeling of protein sequence and biophysical properties (such as structural, functional, and spatial information, amino acid conservation, physicochemical variation, residue mobility, and thermodynamic stability) performed at Invitae indicates that this missense variant is not expected to disrupt TRPV4 protein function. In summary, the available evidence is currently insufficient to determine the role of this variant in disease. Therefore, it has been classified as a Variant of Uncertain Significance.